The following is an entry in ClinVar:

ClinVar aggregate classification (germline): Pathogenic (1 of 4 stars; one submission).

Submission:

Labcorp Genetics (formerly Invitae), Labcorp
Classification: Pathogenic. Last evaluated: 2024-04-15. Review status: criteria provided, single submitter. Criteria: Invitae Variant Classification Sherloc (09022015). Collection method: clinical testing. Allele origin: germline.
Comment: This sequence change replaces valine, which is neutral and non-polar, with alanine, which is neutral and non-polar, at codon 301 of the ALAS2 protein (p.Val301Ala). This variant is not present in population databases (gnomAD no frequency). This missense change has been observed in individual(s) with congenital sideroblastic anemia (PMID: 19731322, 32297424; Invitae). Advanced modeling of protein sequence and biophysical properties (such as structural, functional, and spatial information, amino acid conservation, physicochemical variation, residue mobility, and thermodynamic stability) has been performed at Invitae for this missense variant, however the output from this modeling did not meet the statistical confidence thresholds required to predict the impact of this variant on ALAS2 protein function. For these reasons, this variant has been classified as Pathogenic.

Literature cited by the submitters: PubMed 19731322; PubMed 32297424.

NM_000032.5(ALAS2):c.902T>C (p.Val301Ala)

Gene: ALAS2 (5'-aminolevulinate synthase 2; minus strand). Cytogenetic location: Xp11.21.
Variant type: single nucleotide variant.
Coding change: c.902T>C on transcript NM_000032.5 (MANE Select); coding-DNA position 902, T replaced by C.
Protein change: p.Val301Ala; replaces valine 301 with alanine.
Molecular consequence: missense variant.
Genome position (GRCh38, 1-based): chrX:55,017,587, A>G on the plus strand (T>C on the coding strand, the complement: ALAS2 is on the minus strand). VCF-style: chrX-55017587-A-G. GRCh37 (hg19) VCF-style: chrX-55044020-A-G.
Other names: c.791T>C, p.Val264Ala (NM_001037967.4); c.863T>C, p.Val288Ala (NM_001037968.4); short protein forms V288A, V301A, V264A.
Identifiers: ClinVar variation 3724241 (VCV003724241.2).
Genomic context (GRCh38, chrX:55,017,587, plus strand): 5'-ATCTTAGGGTTAGACTTCTCTAGAAGTTTCTTTAGGTGGTCAGGGTCATTGTGCCTGAAG[A>G]CAAACTTGGCTGCTCCACTGTTACGGATACCTTGGATCATGGAAGCATGGTTGCCTGCGT-3'
Protein context (NP_000023.2, residues 291-311): GIRNSGAAKF[Val301Ala]FRHNDPDHLK